The following is an entry in ClinVar:

NM_006306.4(SMC1A):c.773A>G (p.Lys258Arg)

Gene: SMC1A (structural maintenance of chromosomes 1A; minus strand). Cytogenetic location: Xp11.22.
Variant type: single nucleotide variant.
Coding change: c.773A>G on transcript NM_006306.4 (MANE Select); coding-DNA position 773, A replaced by G.
Protein change: p.Lys258Arg; replaces lysine 258 with arginine.
Molecular consequence: missense variant.
Genome position (GRCh38, 1-based): chrX:53,412,981, T>C on the plus strand (A>G on the coding strand, the complement: SMC1A is on the minus strand). VCF-style: chrX-53412981-T-C. GRCh37 (hg19) VCF-style: chrX-53439931-T-C.
Other names: c.707A>G, p.Lys236Arg (NM_001281463.1); short protein forms K236R, K258R.
Identifiers: ClinVar variation 2803435 (VCV002803435.3), dbSNP rs897112776, ClinGen allele CA329907610.

ClinVar aggregate classification (germline): Uncertain significance (1 of 4 stars; one submission).

Conditions:
Congenital muscular hypertrophy-cerebral syndrome (CDLS2). Also called: SMC1A-Related Cornelia de Lange Syndrome; Cornelia de Lange syndrome 2. Identifiers: Orphanet 199, MedGen C1802395, MONDO:0010370, OMIM 300590.

Allele frequency attached by ClinVar (database versions not stated): TOPMed below 0.00001; gnomAD 0.00001.
gnomAD v4.1: 1 of 1,197,015 alleles (0.000084%); highest among the groups gnomAD compares: Non-Finnish European, 0.00011%; no homozygotes.

Submission:

Labcorp Genetics (formerly Invitae), Labcorp
Classification: Uncertain significance for Congenital muscular hypertrophy-cerebral syndrome. Last evaluated: 2023-07-30. Review status: criteria provided, single submitter. Criteria: Invitae Variant Classification Sherloc (09022015). Collection method: clinical testing. Allele origin: germline.
Comment: In summary, the available evidence is currently insufficient to determine the role of this variant in disease. Therefore, it has been classified as a Variant of Uncertain Significance. Advanced modeling of protein sequence and biophysical properties (such as structural, functional, and spatial information, amino acid conservation, physicochemical variation, residue mobility, and thermodynamic stability) performed at Invitae indicates that this missense variant is not expected to disrupt SMC1A protein function. This variant has not been reported in the literature in individuals affected with SMC1A-related conditions. This variant is not present in population databases (gnomAD no frequency). This sequence change replaces lysine, which is basic and polar, with arginine, which is basic and polar, at codon 258 of the SMC1A protein (p.Lys258Arg).